The following is an entry in ClinVar:

ClinVar aggregate classification (germline): Likely pathogenic (3 of 4 stars; one submission).

Conditions:
Glanzmann thrombasthenia. Also called: THROMBASTHENIA OF GLANZMANN AND NAEGELI; PLATELET GLYCOPROTEIN IIb-IIIa DEFICIENCY; Thrombasthenia; Glanzmann's thrombasthenia. Identifiers: Orphanet 849, MedGen C0040015, MONDO:0100326.

Submission:

ClinGen Platelet Disorders Variant Curation Expert Panel, ClinGen
Classification: Likely pathogenic for Glanzmann thrombasthenia. Last evaluated: 2026-02-05. Review status: reviewed by expert panel. Criteria: ClinGen Platelet ACMG Specifications v2-1. Collection method: curation. Allele origin: germline. Inheritance: Autosomal recessive inheritance.
Comment: The NM_000419.5(ITGA2B):c.212C>G (p.Pro71Arg) missense variant has been reported in at least one Glanzmann thrombasthenia patient (PMID: 21113249). Patient GE displayed mucocutaneous bleeding and impaired aggregation with all agonists except ristocetin, which is highly specific for Glanzmann thrombasthenia . Additionally, αIIbβ3 surface expression was reduced to <1%, as measured by flow cytometry, and there was<1% binding to PAC-1. (PP4_strong). The full genotype of Patient GE was reported later in Pilgrimm-Thorp (2012) Haemophilia 18S3 157 and a PhD dissertation from D. Pillitteri, the patient is compound heterozygous for this variant and Leu684Arg (classified VUS by the PD VCEP; PM3_NotMet). The Pro71Arg variant is absent from gnomAD v4.1 (PM2_Supporting) and the computational predictor REVEL gives a score of 0.809, which is above the ClinGen PD VCEP threshold of >0.7 and predicts a damaging effect on function (PP3). In summary, this variant meets the criteria to be classified as Likely Pathogenic for autosomal recessive Glanzmann Thrombasthenia based on the ACMG/AMP criteria applied, as specified by the ClinGen PD VCEP: PP4_strong, PM2_supporitng, PP3_supporting.

NM_000419.5(ITGA2B):c.212C>G (p.Pro71Arg)

Gene: ITGA2B (integrin subunit alpha 2b; minus strand). Cytogenetic location: 17q21.31.
Variant type: single nucleotide variant.
Coding change: c.212C>G on transcript NM_000419.5 (MANE Select); coding-DNA position 212, C replaced by G.
Protein change: p.Pro71Arg; replaces proline 71 with arginine.
Molecular consequence: missense variant.
Genome position (GRCh38, 1-based): chr17:44,386,108, G>C on the plus strand (C>G on the coding strand, the complement: ITGA2B is on the minus strand). VCF-style: chr17-44386108-G-C. GRCh37 (hg19) VCF-style: chr17-42463476-G-C.
Other names: NM_000419.5:c.212C>G; short protein forms P71R.
Identifiers: ClinVar variation 2506413 (VCV002506413.2), dbSNP rs2510085546, ClinGen allele CA399806497.